The following continues an entry in ClinVar:

NM_002887.4(RARS1):c.1367C>T (p.Ser456Leu)

Gene: RARS1. ClinVar aggregate classification (germline): Conflicting classifications of pathogenicity. Pathogenic (2); Likely pathogenic (6); Uncertain significance (5); Benign (1); Likely benign (1).

Submissions 13 to 17 of 17:

Ambry Genetics
Classification: Uncertain significance for Inborn genetic diseases. Last evaluated: 2020-12-10. Review status: criteria provided, single submitter. Criteria: Ambry Variant Classification Scheme 2023. Collection method: clinical testing. Allele origin: germline.
Comment: The c.1367C>T (p.S456L) alteration is located in exon 12 (coding exon 12) of the RARS gene. This alteration results from a C to T substitution at nucleotide position 1367, causing the serine (S) at amino acid position 456 to be replaced by a leucine (L). This variant and a frameshift variant were identified in one individual with microcephaly, nystagmus, blindness, cognitive impairment, focal epilepsy, corpus callosum hypoplasia, and diffuse dysmyelination/hypomyelination of the central white matter; p.S456L was maternally inherited while the frameshift variant was not detected in either parent (Nafisinia, 2017). This variant formed punctate structures in 25% of cells compared wildtype in COS7 cells and failed to exhibit differentiated phenotypes with myelin web-like structures in FBD-102b cells (Matsumoto, 2019). The p.S456L alteration is predicted to be tolerated by in silico analysis. Based on insufficient or conflicting evidence, the clinical significance of this alteration remains unclear.

Centre for Mendelian Genomics, University Medical Centre Ljubljana
Classification: Likely pathogenic for Leukodystrophy, hypomyelinating, 9. Last evaluated: 2020-03-13. Review status: criteria provided, single submitter. Criteria: ACMG Guidelines, 2015. Collection method: clinical testing. Allele origin: unknown. Affected: yes.
Comment: This variant was classified as: Likely pathogenic. The following ACMG criteria were applied in classifying this variant: PS3_MOD,PS4_MOD,PM3,PP3.

Neuberg Centre For Genomic Medicine, NCGM
Classification: Likely pathogenic for Leukodystrophy, hypomyelinating, 9. Review status: criteria provided, single submitter. Criteria: ACMG Guidelines, 2015. Collection method: clinical testing. Allele origin: germline. Inheritance: Autosomal recessive inheritance. Affected: yes.
Comment: The missense c.1367C>T p.Ser456Leu variant in the RARS1 has been reported as likely pathogenic and pathogenic, and observed in two compound heterozygous individuals with a hypomyelination disorder or mild hypomyelinating leukodystrophy Nafisinia, Michael et al.,2017. No published segregation evidence has been identified for this variant. This variant has moderate functional evidence supporting abnormal protein function Matsumoto, Naoto et al.,2019. This variant is reported with the allele frequency 0.04% in the gnomAD Exomes and novel in 1000 Genomes. It is submitted to ClinVar as Pathogenic/ Likely Pathogenic multiple submissions. The amino acid Serine at position 456 is changed to a Leucine changing protein sequence and it might alter its composition and physico-chemical properties. The amino acid change p.Ser456Leu in RARS1 is predicted as conserved by GERP++ and PhyloP across 100 vertebrates. For these reasons, this variant has been classified as Likely Pathogenic.

OMIM
Classification: Pathogenic for LEUKODYSTROPHY, HYPOMYELINATING, 9. Last evaluated: 2019-08-20. Review status: no assertion criteria provided. Collection method: literature only. Allele origin: germline. Not counted in ClinVar's aggregate classification.

Baylor-Hopkins Center for Mendelian Genomics, Johns Hopkins University School of Medicine
Classification: Pathogenic for Leukodystrophy, hypomyelinating, 9. Review status: no assertion criteria provided. Collection method: research. Allele origin: germline. Affected: yes. Observed: 1 compound heterozygote. Not counted in ClinVar's aggregate classification.

Literature cited by the submitters: PubMed 33515434 (cited by 3 submitters); PubMed 31737794 (cited by 4 submitters); PubMed 31814314 (cited by 4 submitters); PubMed 28905880 (cited by 7 submitters); PubMed 38523675 (cited by Women's Health and Genetics/Laboratory Corporation of America, LabCorp); PubMed 34426522 (cited by Mayo Clinic Laboratories, Mayo Clinic); PubMed 37186453 (cited by Mayo Clinic Laboratories, Mayo Clinic); PubMed 37755363 (cited by Mayo Clinic Laboratories, Mayo Clinic).